The following is an entry in ClinVar:

NC_000002.12:g.15489011_15489025A[5]TTCCATCCTAGGCCGGGCGCGGTGGCTCACGCCTGTAATCCCAGCACTTTGGGAGGCCGAGGCGGGTGGATCATGAGNNNNNNNNNNAAAAAAAAAAAAAAAAAAAAAAAAATTCCATCCTA[1]

Gene: NBAS (NBAS subunit of NRZ tethering complex; minus strand). Cytogenetic location: 2p24.3.
Variant type: Microsatellite.
Genome position: GRCh38: chr2:15,489,011-15,489,025. GRCh37 (hg19), VCF-style position (the base before the change): chr2:15,629,134.
Identifiers: ClinVar variation 4728148 (VCV004728148.1).

ClinVar aggregate classification (germline): Pathogenic (1 of 4 stars; one submission).

Submission:

Labcorp Genetics (formerly Invitae), Labcorp
Classification: Pathogenic. Last evaluated: 2025-09-30. Review status: criteria provided, single submitter. Criteria: Invitae Variant Classification Sherloc (09022015). Collection method: clinical testing. Allele origin: germline.
Comment: This sequence change inserts a large fragment of DNA, likely a transposable element, in exon 12 of the NBAS gene (c.966_967ins?), causing a frameshift at codon 323 (p.Lys323fs). The exact size and sequence of the insertion cannot be determined by the current assay. However, the insertion is expected to result in an absent or disrupted protein product. This variant is not present in population databases (gnomAD no frequency). This variant has not been reported in the literature in individuals affected with NBAS-related conditions. Retrotransposon insertions including LINE1 (L1), Alu, and SVA (SINE-VNTR-Alu) have been reported to be disease-causing through disruption of either a coding region or splice site (PMID: 19763152, 20307669, 22406018) and loss-of-function variants in NBAS are known to be pathogenic (PMID: 26073778, 26541327, 27789416, 28031453). For these reasons, this variant has been classified as Pathogenic.

Literature cited by the submitters: PubMed 19763152; PubMed 20307669; PubMed 22406018; PubMed 26073778; PubMed 26541327; PubMed 27789416; PubMed 28031453.